The following is an entry in ClinVar:

ClinVar aggregate classification (germline): Pathogenic. Review status: criteria provided, multiple submitters, no conflicts (2 of 4 stars). 4 submissions from 4 submitters: Pathogenic (4). Last evaluated 2024-08-06.

Conditions:
Hepatoencephalopathy due to combined oxidative phosphorylation defect type 1. Also called: HEPATOENCEPHALOPATHY, EARLY FATAL PROGRESSIVE. Identifiers: Orphanet 137681, MedGen C1836797, MONDO:0012191, OMIM 609060.

Submissions (4):

Natera, Inc.
Classification: Pathogenic for Combined oxidative phosphorylation deficiency 1. Last evaluated: 2024-08-06. Review status: criteria provided, single submitter. Criteria: Natera Variant Classification Schema (03/2026). Collection method: clinical testing. Allele origin: germline.
Comment: The c.539delG variant in GFM1 is a frameshift variant predicted to shift the reading frame beginning at codon 180 and leads to a stop codon 11 codons downstream. This variant is expected to result in nonsense mediated decay, truncation, or a dysfunctional protein product. This variant is rare in the general population with a frequency below the threshold expected for the associated phenotype(s). This variant has been observed in one or more individuals affected with the associated recessive disease, as either homozygous or compound heterozygous with a second variant (PMID: 23430926). Given the available evidence, this variant is classified as Pathogenic.

Labcorp Genetics (formerly Invitae), Labcorp
Classification: Pathogenic. Last evaluated: 2023-08-02. Review status: criteria provided, single submitter. Criteria: Invitae Variant Classification Sherloc (09022015). Collection method: clinical testing. Allele origin: germline.
Comment: For these reasons, this variant has been classified as Pathogenic. ClinVar contains an entry for this variant (Variation ID: 644902). This premature translational stop signal has been observed in individual(s) with combined oxidative phosphorylation deficiency (PMID: 23430926). This variant is not present in population databases (gnomAD no frequency). This sequence change creates a premature translational stop signal (p.Gly180Alafs*11) in the GFM1 gene. It is expected to result in an absent or disrupted protein product. Loss-of-function variants in GFM1 are known to be pathogenic (PMID: 16632485, 17160893).

Juno Genomics, Hangzhou Juno Genomics, Inc
Classification: Pathogenic for Hepatoencephalopathy due to combined oxidative phosphorylation defect type 1. Review status: criteria provided, single submitter. Criteria: ACMG Guidelines, 2015. Collection method: clinical testing. Allele origin: germline.
Comment: Absent from controls (or at extremely low frequency if recessive) in Genome Aggregation Database.;Null variant in a gene where loss of function (LOF) is a known mechanism of disease.;For recessive disorders, detected in trans with a pathogenic variant.;Patient's phenotype or family history is highly specific for a disease with a single genetic etiology.

Pediatric Department, Xiangya Hospital, Central South University
Classification: Pathogenic for Hepatoencephalopathy due to combined oxidative phosphorylation defect type 1. Review status: criteria provided, single submitter. Criteria: ACMG Guidelines, 2015. Collection method: clinical testing. Allele origin: maternal. Inheritance: Autosomal recessive inheritance. Affected: yes. Observed: 2 compound heterozygotes. Clinical features observed: Muscle Weakness, symmetric lesions of the basal ganglia, Dystonia.
Comment: This variant was observed in compound heterozygosity with variant (c.628C>G)

Literature cited by the submitters: PubMed 23430926 (cited by Natera, Inc. and Labcorp Genetics (formerly Invitae), Labcorp); PubMed 16632485 (cited by Labcorp Genetics (formerly Invitae), Labcorp); PubMed 17160893 (cited by Labcorp Genetics (formerly Invitae), Labcorp).

NM_024996.7(GFM1):c.539del (p.Gly180fs)

Gene: GFM1 (G elongation factor mitochondrial 1; plus strand). Cytogenetic location: 3q25.32.
Variant type: Deletion.
Coding change: c.539del on transcript NM_024996.7 (MANE Select); coding-DNA position 539, one base deleted (G; older notation c.539delG).
Protein change: p.Gly180fs; shifts the reading frame from glycine 180.
Molecular consequence: frameshift variant. On other transcripts: non-coding transcript variant (3), intron variant (4).
Genome position (GRCh38, 1-based): chr3:158,646,914, G deleted; the last of 3 consecutive G bases (chr3:158,646,912-158,646,914); deleting any one gives the same sequence. VCF-style (leftmost placement, unchanged base first): chr3-158646911-TG-T. GRCh37 (hg19) VCF-style: chr3-158364700-TG-T.
Other names: c.539delG (NM_024996.5); c.539del, p.Gly180fs (NM_001308164.2, NM_001308166.2, NM_001374355.1 and 1 more transcripts); c.314del, p.Gly105fs (NM_001374357.1); c.5+1133del (NM_001374359.1, NM_001374360.1, NM_001374361.1); c.234+1133del (NM_001374358.1); short protein forms G180fs, G105fs.
Identifiers: ClinVar variation 644902 (VCV000644902.38), dbSNP rs1362847020, ClinGen allele CA901379822.